The following is an entry in ClinVar:

NM_004655.4(AXIN2):c.750G>T (p.Leu250Phe)

Gene: AXIN2 (axin 2; minus strand). Cytogenetic location: 17q24.1.
Variant type: single nucleotide variant.
Coding change: c.750G>T on transcript NM_004655.4 (MANE Select); coding-DNA position 750, G replaced by T.
Protein change: p.Leu250Phe; replaces leucine 250 with phenylalanine.
Molecular consequence: missense variant.
Genome position (GRCh38, 1-based): chr17:65,557,871, C>A on the plus strand (G>T on the coding strand, the complement: AXIN2 is on the minus strand). VCF-style: chr17-65557871-C-A. GRCh37 (hg19) VCF-style: chr17-63553989-C-A.
Other names: c.750G>T (LRG_296t1); c.750G>T, p.Leu250Phe (NM_001363813.1); short protein forms L250F.
Identifiers: ClinVar variation 408834 (VCV000408834.19), dbSNP rs1060502149, ClinGen allele CA16615617.
Genomic context (GRCh38, chr17:65,557,871, plus strand): 5'-TCCACTGTCAACAGTTTCCGTGGACCTCACACTCGCCGTGGCCCTCAGAGTTTTGCTGGA[C>A]AAGCCAACCACGGTTGGCGAAAGTTTGCACTTGAAGTCGGCACAAGTCCACTCCTCTTCT-3'
Protein context (NP_004646.3, residues 240-260): KCKLSPTVVG[Leu250Phe]SSKTLRATAS

ClinVar aggregate classification (germline): Uncertain significance. Review status: criteria provided, multiple submitters, no conflicts (2 of 4 stars). 5 submissions from 5 submitters: Uncertain significance (5). Last evaluated 2026-08-06.

Conditions:
Hereditary cancer-predisposing syndrome. Also called: Neoplastic Syndromes, Hereditary; Tumor predisposition; Hereditary Cancer Syndrome; Hereditary neoplastic syndrome. Identifiers: Orphanet 140162, MedGen C0027672, MeSH D009386, MONDO:0015356.
Oligodontia-cancer predisposition syndrome. Also called: TOOTH AGENESIS-COLORECTAL CANCER SYNDROME. Identifiers: Orphanet 300576, MedGen C1837750, MONDO:0012075, OMIM 608615. Disease mechanism: loss of function.

Allele frequency attached by ClinVar (database versions not stated): TOPMed below 0.00001.

Submissions (5):

OLLIN Analises Genomicas, OLLIN
Classification: Uncertain significance. Last evaluated: 2026-08-06. Review status: criteria provided, single submitter. Criteria: ACMG Guidelines 2015 PMID 25741868. Collection method: clinical testing. Allele origin: germline.
Comment: This missense variant, located in exon 2 (of 11), is absent from gnomAD and has not been identified in the literature. However, it has been reported in ClinVar (accession VCV003254260.1). In silico analysis is inconclusive regarding the impact of this variant. This gene has high tolerance to missense variation. According to the currently available evidence, this variant has been classified as uncertain significance (PM2_P, BP1).

Center for Genomic Medicine, Rigshospitalet, Copenhagen University Hospital
Classification: Uncertain significance. Last evaluated: 2025-03-04. Review status: criteria provided, single submitter. Criteria: ACMG Guidelines, 2015. Collection method: clinical testing. Allele origin: germline.

Labcorp Genetics (formerly Invitae), Labcorp
Classification: Uncertain significance for Oligodontia-cancer predisposition syndrome. Last evaluated: 2024-01-18. Review status: criteria provided, single submitter. Criteria: Invitae Variant Classification Sherloc (09022015). Collection method: clinical testing. Allele origin: germline.
Comment: This sequence change replaces leucine, which is neutral and non-polar, with phenylalanine, which is neutral and non-polar, at codon 250 of the AXIN2 protein (p.Leu250Phe). This variant is not present in population databases (gnomAD no frequency). This variant has not been reported in the literature in individuals affected with AXIN2-related conditions. ClinVar contains an entry for this variant (Variation ID: 408834). Advanced modeling of protein sequence and biophysical properties (such as structural, functional, and spatial information, amino acid conservation, physicochemical variation, residue mobility, and thermodynamic stability) performed at Invitae indicates that this missense variant is expected to disrupt AXIN2 protein function with a positive predictive value of 80%. In summary, the available evidence is currently insufficient to determine the role of this variant in disease. Therefore, it has been classified as a Variant of Uncertain Significance.

Ambry Genetics
Classification: Uncertain significance for Hereditary cancer-predisposing syndrome. Last evaluated: 2022-10-17. Review status: criteria provided, single submitter. Criteria: Ambry Variant Classification Scheme 2023. Collection method: clinical testing. Allele origin: germline.
Comment: The p.L250F variant (also known as c.750G>T), located in coding exon 1 of the AXIN2 gene, results from a G to T substitution at nucleotide position 750. The leucine at codon 250 is replaced by phenylalanine, an amino acid with highly similar properties. This alteration was detected in 1/224 unrelated Brazilian individuals with breast cancer (Sandoval RL et al. PLoS One, 2021 Feb;16:e0247363). This amino acid position is highly conserved in available vertebrate species. In addition, this alteration is predicted to be tolerated by in silico analysis. Since supporting evidence is limited at this time, the clinical significance of this alteration remains unclear.

Mendelics
Classification: Uncertain significance for Oligodontia-cancer predisposition syndrome. Last evaluated: 2019-05-28. Review status: criteria provided, single submitter. Criteria: Mendelics Assertion Criteria 2017. Collection method: clinical testing. Allele origin: unknown.

Literature cited by the submitters: PubMed 33606809 (cited by Ambry Genetics).